The following is an entry in ClinVar:

NM_002661.5(PLCG2):c.2164A>G (p.Lys722Glu)

Gene: PLCG2 (phospholipase C gamma 2; plus strand). Cytogenetic location: 16q23.3.
Variant type: single nucleotide variant.
Coding change: c.2164A>G on transcript NM_002661.5 (MANE Select); coding-DNA position 2164, A replaced by G.
Protein change: p.Lys722Glu; replaces lysine 722 with glutamic acid.
Molecular consequence: missense variant.
Genome position (GRCh38, 1-based): chr16:81,919,593, A>G. VCF-style: chr16-81919593-A-G. GRCh37 (hg19) VCF-style: chr16-81953198-A-G.
Other names: short protein forms K722E.
Identifiers: ClinVar variation 1005139 (VCV001005139.8), dbSNP rs761399374, ClinGen allele CA8194104.

ClinVar aggregate classification (germline): Uncertain significance. Review status: criteria provided, multiple submitters, no conflicts (2 of 4 stars). 2 submissions from 2 submitters: Uncertain significance (2). Last evaluated 2025-09-21.

Conditions:
Familial cold autoinflammatory syndrome 3 (FCAS3). Also called: FAMILIAL ATYPICAL COLD URTICARIA; ANTIBODY DEFICIENCY AND IMMUNE DYSREGULATION, PLCG2-ASSOCIATED. Identifiers: Orphanet 300359, MedGen C3280914, MONDO:0013766, OMIM 614468.
Autoinflammation-PLCG2-associated antibody deficiency-immune dysregulation. Also called: AUTOINFLAMMATION, ANTIBODY DEFICIENCY, AND IMMUNE DYSREGULATION; Autoinflammation, antibody deficiency, and immune dysregulation syndrome; Autoinflammation, antibody deficiency, and immune dysregulation, plcg2-associated. Identifiers: Orphanet 324530, MedGen C3553961, MONDO:0013944, OMIM 614878.

Allele frequency attached by ClinVar (database versions not stated): gnomAD exomes 0.00003 and 0.00006; TOPMed 0.00003; gnomAD 0.00004; ExAC 0.00006.
gnomAD v4.1: 44 of 1,613,968 alleles (0.0027%); highest among the groups gnomAD compares: Admixed American, 0.01%; no homozygotes.

Submissions (2):

Labcorp Genetics (formerly Invitae), Labcorp
Classification: Uncertain significance for Familial cold autoinflammatory syndrome 3. Last evaluated: 2025-09-21. Review status: criteria provided, single submitter. Criteria: Invitae Variant Classification Sherloc (09022015). Collection method: clinical testing. Allele origin: germline.
Comment: This sequence change replaces lysine, which is basic and polar, with glutamic acid, which is acidic and polar, at codon 722 of the PLCG2 protein (p.Lys722Glu). This variant is present in population databases (rs761399374, gnomAD 0.05%), and has an allele count higher than expected for a pathogenic variant. This missense change has been observed in individual(s) with PLCG2-related conditions (PMID: 34329649, 37769878). ClinVar contains an entry for this variant (Variation ID: 1005139). An algorithm developed to predict the effect of missense changes on protein structure and function (PolyPhen-2) suggests that this variant is likely to be tolerated. Experimental studies have shown that this missense change does not substantially affect PLCG2 function (PMID: 37769878). In summary, the available evidence is currently insufficient to determine the role of this variant in disease. Therefore, it has been classified as a Variant of Uncertain Significance.

Fulgent Genetics
Classification: Uncertain significance for Familial cold autoinflammatory syndrome 3; Autoinflammation-PLCG2-associated antibody deficiency-immune dysregulation. Last evaluated: 2022-01-05. Review status: criteria provided, single submitter. Criteria: ACMG Guidelines, 2015. Collection method: clinical testing. Allele origin: unknown.

Literature cited by the submitters: PubMed 34329649 (cited by Labcorp Genetics (formerly Invitae), Labcorp); PubMed 37769878 (cited by Labcorp Genetics (formerly Invitae), Labcorp).